The following is an entry in ClinVar:

ClinVar aggregate classification (germline): Uncertain significance (1 of 4 stars; one submission).

Conditions:
Early-onset Lafora body disease. Also called: Epilepsy, progressive myoclonic, 10. Identifiers: Orphanet 324290, MedGen C4225258, MONDO:0014717, OMIM 616640.

Submission:

Labcorp Genetics (formerly Invitae), Labcorp
Classification: Uncertain significance for Early-onset Lafora body disease. Last evaluated: 2021-11-22. Review status: criteria provided, single submitter. Criteria: Invitae Variant Classification Sherloc (09022015). Collection method: clinical testing. Allele origin: germline.
Comment: A copy number gain of the genomic region encompassing the full coding sequence of the PRDM8 gene has been identified. The boundaries of this event are unknown as they extend beyond the assayed region for this gene and therefore may encompass additional genes. As the precise location of this event is unknown, it may be in tandem or it may be located elsewhere in the genome. This variant has not been reported in the literature in individuals affected with PRDM8-related conditions. In summary, the available evidence is currently insufficient to determine the role of this variant in disease. Therefore, it has been classified as a Variant of Uncertain Significance.

NC_000004.11:g.(?_81121235)_(81124686_?)dup

Gene: PRDM8 (PR/SET domain 8; plus strand). Cytogenetic location: 4q21.21.
Variant type: Duplication.
Identifiers: ClinVar variation 2426532 (VCV002426532.3).